The following is an entry in ClinVar:

ClinVar aggregate classification (germline): Benign. Review status: reviewed by expert panel (3 of 4 stars). 15 submissions from 15 submitters: Benign (1). 14 of the submissions do not count toward it. Last evaluated 2023-11-14.

Conditions:
Histiocytic medullary reticulosis. Also called: Omenn syndrome; SEVERE COMBINED IMMUNODEFICIENCY WITH HYPEREOSINOPHILIA. Identifiers: Orphanet 39041, MedGen C2700553, MONDO:0011338, OMIM 603554.
Severe combined immunodeficiency due to DCLRE1C deficiency (RS-SCID). Also called: SCID, AUTOSOMAL RECESSIVE, T CELL-NEGATIVE, B CELL-NEGATIVE, NK CELL-POSITIVE, WITH SENSITIVITY TO IONIZING RADIATION. Identifiers: Orphanet 275, MedGen C1865371, MONDO:0011225, OMIM 602450.
Severe combined immunodeficiency disease. Also called: Severe Combined Immune Deficiency; Severe combined immunodeficiency. Identifiers: Orphanet 183660, MedGen C0085110, MeSH D016511, MONDO:0015974, HP:0004430. Inheritance: X-Linked or Autosomal recessive.

Allele frequency attached by ClinVar (database versions not stated): ExAC 0.09054; TOPMed 0.10427; gnomAD 0.09351; gnomAD exomes 0.09032; ESP Exome Variant Server 0.09119; 1000 Genomes Project 0.11681; 1000 Genomes Project 30x 0.11711.
gnomAD v4.1: 130,721 of 1,612,910 alleles (8.1%); highest among the groups gnomAD compares: East Asian, 19%; 6,019 homozygotes.

Submissions (15):

ClinGen Severe Combined Immunodeficiency Variant Curation Expert Panel, ClinGen
Classification: Benign for Severe combined immunodeficiency due to DCLRE1C deficiency. Last evaluated: 2023-11-14. Review status: reviewed by expert panel. Criteria: ClinGen SCID ACMG Specifications DCLRE1C V1.0.0. Collection method: curation. Allele origin: germline. Inheritance: Autosomal recessive inheritance.
Comment: The NM_001033855.3:c.512C>G variant in DCLRE1C is a missense variant predicted to cause the substitution of proline by arginine at amino acid 171 (p.Pro171Arg). This variant has an allele frequency of 0.19422 in the East Asian population in gnomAD, which is above the threshold for BA1 set by the ClinGen SCID VCEP for DCLRE1C (>0.00346). In addition, this variant is present 1394 adult homozygous individuals in gnomADv2.1.1 (distributed in all gnomAD populations)(BS2_Supporting). In summary, this variant meets the criteria to be classified as Benign for autosomal recessive SCID based on the ACMG criteria applied: BA1 and BS2_Supporting, as specified by the ClinGen SCID VCEP (VCEP specifications version 1).

Labcorp Genetics (formerly Invitae), Labcorp
Classification: Benign for Athabaskan severe combined immunodeficiency. Last evaluated: 2026-02-04. Review status: criteria provided, single submitter. Criteria: Invitae Variant Classification Sherloc (09022015). Collection method: clinical testing. Allele origin: germline. Not counted in ClinVar's aggregate classification.

ARUP Laboratories, Molecular Genetics and Genomics, ARUP Laboratories
Classification: Benign. Last evaluated: 2025-07-29. Review status: criteria provided, single submitter. Criteria: ARUP Molecular Germline Variant Investigation Process 2024. Collection method: clinical testing. Allele origin: germline. Not counted in ClinVar's aggregate classification.

Blueprint Genetics
Classification: Likely benign. Last evaluated: 2024-11-27. Review status: criteria provided, single submitter. Criteria: ACMG Guidelines, 2015. Collection method: clinical testing. Allele origin: germline. Not counted in ClinVar's aggregate classification.

Genomic Medicine Center of Excellence, King Faisal Specialist Hospital and Research Centre
Classification: Benign for Severe combined immunodeficiency due to DCLRE1C deficiency. Last evaluated: 2024-03-26. Review status: criteria provided, single submitter. Criteria: ACMG Guidelines, 2015. Collection method: clinical testing. Allele origin: germline. Not counted in ClinVar's aggregate classification.

Fulgent Genetics
Classification: Benign for Severe combined immunodeficiency due to DCLRE1C deficiency; Histiocytic medullary reticulosis. Last evaluated: 2022-03-31. Review status: criteria provided, single submitter. Criteria: ACMG Guidelines, 2015. Collection method: clinical testing. Allele origin: unknown. Not counted in ClinVar's aggregate classification.

Genome-Nilou Lab
Classification: Benign for Severe combined immunodeficiency due to DCLRE1C deficiency. Last evaluated: 2021-07-01. Review status: criteria provided, single submitter. Criteria: ACMG Guidelines, 2015. Collection method: clinical testing. Allele origin: germline. Affected: no. Not counted in ClinVar's aggregate classification.

Mendelics
Classification: Benign for Severe combined immunodeficiency due to DCLRE1C deficiency. Last evaluated: 2019-05-28. Review status: criteria provided, single submitter. Criteria: Mendelics Assertion Criteria 2017. Collection method: clinical testing. Allele origin: unknown. Not counted in ClinVar's aggregate classification.

Mayo Clinic Laboratories, Mayo Clinic
Classification: Benign. Last evaluated: 2018-06-20. Review status: criteria provided, single submitter. Criteria: ACMG Guidelines, 2015. Collection method: clinical testing. Allele origin: germline. Observed: 73 variant alleles. Not counted in ClinVar's aggregate classification.

Illumina Laboratory Services, Illumina
Classification: Benign for Histiocytic medullary reticulosis. Last evaluated: 2018-03-06. Review status: criteria provided, single submitter. Criteria: ICSL Variant Classification Criteria 13 December 2019. Collection method: clinical testing. Allele origin: germline. Not counted in ClinVar's aggregate classification.
Comment: This variant was observed in the ICSL laboratory as part of a predisposition screen in an ostensibly healthy population. It had not been previously curated by ICSL or reported in the Human Gene Mutation Database (HGMD: prior to June 1st, 2018), and was therefore a candidate for classification through an automated scoring system. Utilizing variant allele frequency, disease prevalence and penetrance estimates, and inheritance mode, an automated score was calculated to assess if this variant is too frequent to cause the disease. Based on the score and internal cut-off values, a variant classified as benign is not then subjected to further curation. The score for this variant resulted in a classification of benign for this disease.

GeneDx
Classification: Benign. Last evaluated: 2015-03-03. Review status: criteria provided, single submitter. Criteria: GeneDx Variant Classification Process June 2021. Collection method: clinical testing. Allele origin: germline. Affected: yes. Not counted in ClinVar's aggregate classification.
Comment: This variant is associated with the following publications: (PMID: 25917813, 21664875, 23701501, 20674517)

Women's Health and Genetics/Laboratory Corporation of America, LabCorp
Classification: Benign for SCID. Last evaluated: 2011-08-18. Review status: criteria provided, single submitter. Criteria: LabCorp Variant Classification Summary - May 2015. Collection method: curation, clinical testing. Allele origin: germline. Inheritance: autosomal unknown. Affected: yes. Not counted in ClinVar's aggregate classification.
ClinVar note: Converted during submission from benign to Benign.

Breakthrough Genomics
Classification: Benign. Review status: criteria provided, single submitter. Criteria: ACMG Guidelines, 2015. Collection method: not provided. Allele origin: germline. Inheritance: Autosomal recessive inheritance. Affected: yes. Not counted in ClinVar's aggregate classification.

PreventionGenetics, part of Exact Sciences
Classification: Benign. Review status: criteria provided, single submitter. Criteria: ACMG Guidelines, 2015. Collection method: clinical testing. Allele origin: germline. Not counted in ClinVar's aggregate classification.

Natera, Inc.
Classification: Benign for Omenn syndrome. Last evaluated: 2020-09-16. Review status: no assertion criteria provided. Collection method: clinical testing. Allele origin: germline. Not counted in ClinVar's aggregate classification.

NM_001033855.3(DCLRE1C):c.512C>G (p.Pro171Arg)

Gene: DCLRE1C (DNA cross-link repair 1C; minus strand). Cytogenetic location: 10p13.
Variant type: single nucleotide variant.
Coding change: c.512C>G on transcript NM_001033855.3 (MANE Select); coding-DNA position 512, C replaced by G.
Protein change: p.Pro171Arg; replaces proline 171 with arginine.
Molecular consequence: missense variant. On other transcripts: non-coding transcript variant (4).
Genome position (GRCh38, 1-based): chr10:14,934,728, G>C on the plus strand (C>G on the coding strand, the complement: DCLRE1C is on the minus strand). VCF-style: chr10-14934728-G-C. GRCh37 (hg19) VCF-style: chr10-14976727-G-C.
Other names: NM_001033855.3(DCLRE1C):c.512C>G; c.152C>G, p.Pro51Arg (NM_001033857.3, NM_001033858.3, NM_001289077.2 and 2 more transcripts); c.167C>G, p.Pro56Arg (NM_001289076.2, NM_001289078.2, NM_001350966.2 and 1 more transcripts); c.512C>G, p.Pro171Arg (NM_001350965.2); short protein forms P171R, P51R, P56R.
Identifiers: ClinVar variation 35999 (VCV000035999.42), dbSNP rs35441642, ClinGen allele CA213684.